The following is an entry in ClinVar:

ClinVar aggregate classification (germline): Conflicting classifications of pathogenicity. Review status: criteria provided, conflicting classifications (1 of 4 stars). 2 submissions from 2 submitters: Uncertain significance (1); Likely benign (1). Last evaluated 2026-01-22.

Allele frequency attached by ClinVar (database versions not stated): TOPMed 0.00001; ExAC 0.00003; gnomAD 0.00003; gnomAD exomes 0.00004.
gnomAD v4.1: 25 of 1,612,996 alleles (0.0015%); highest among the groups gnomAD compares: East Asian, 0.033%; no homozygotes.

Submissions (2):

Labcorp Genetics (formerly Invitae), Labcorp
Classification: Likely benign. Last evaluated: 2026-01-22. Review status: criteria provided, single submitter. Criteria: Invitae Variant Classification Sherloc (09022015). Collection method: clinical testing. Allele origin: germline.

GeneDx
Classification: Uncertain significance. Last evaluated: 2014-04-17. Review status: criteria provided, single submitter. Criteria: GeneDx Variant Classification (06012015). Collection method: clinical testing. Allele origin: germline. Affected: yes.
Comment: p.Asp306Asn (GAC>AAC): c.916 G>A in exon 11 of the RARS2 gene (NM_020320.3) A variant of unknown significance has been identified in the RARS2 gene. The D306N variant has not been published as a mutation, nor has it been reported as a benign polymorphism to our knowledge. The D306N variant is a semi-conservative amino acid substitution, which may impact secondary protein structure as these residues differ in some properties. This substitution occurs at a position that is conserved across species. In silico analysis predicts this variant likely does not alter the protein structure/function. Therefore, based on the currently available information, it is unclear whether this variant is a pathogenic mutation or a rare benign variant. The variant is found in MITONUC-MITOP panel(s).

NM_020320.5(RARS2):c.916G>A (p.Asp306Asn)

Gene: RARS2 (arginyl-tRNA synthetase 2, mitochondrial; minus strand). Cytogenetic location: 6q15.
Variant type: single nucleotide variant.
Coding change: c.916G>A on transcript NM_020320.5 (MANE Select); coding-DNA position 916, G replaced by A.
Protein change: p.Asp306Asn; replaces aspartic acid 306 with asparagine.
Molecular consequence: missense variant. On other transcripts: non-coding transcript variant (23).
Genome position (GRCh38, 1-based): chr6:87,524,615, C>T on the plus strand (G>A on the coding strand, the complement: RARS2 is on the minus strand). VCF-style: chr6-87524615-C-T. GRCh37 (hg19) VCF-style: chr6-88234333-C-T.
Other names: p.D306N:GAC>AAC; c.391G>A, p.Asp131Asn (NM_001318785.2, NM_001350506.2, NM_001350507.2 and 4 more transcripts); c.916G>A, p.Asp306Asn (NM_001350505.2); short protein forms D306N, D131N.
Identifiers: ClinVar variation 215060 (VCV000215060.10), dbSNP rs781646725, ClinGen allele CA322626.